The following is an entry in ClinVar:

ClinVar aggregate classification (germline): Uncertain significance (1 of 4 stars; one submission).

Submission:

Labcorp Genetics (formerly Invitae), Labcorp
Classification: Uncertain significance. Last evaluated: 2026-01-12. Review status: criteria provided, single submitter. Criteria: Invitae Variant Classification Sherloc (09022015). Collection method: clinical testing. Allele origin: germline.
Comment: This sequence change replaces isoleucine, which is neutral and non-polar, with threonine, which is neutral and polar, at codon 271 of the RNF168 protein (p.Ile271Thr). This variant is not present in population databases (gnomAD no frequency). This variant has not been reported in the literature in individuals affected with RNF168-related conditions. An algorithm developed to predict the effect of missense changes on protein structure and function outputs the following: PolyPhen-2: "Benign". The threonine amino acid residue is found in multiple mammalian species, which suggests that this missense change does not adversely affect protein function. In summary, the available evidence is currently insufficient to determine the role of this variant in disease. Therefore, it has been classified as a Variant of Uncertain Significance.

NM_152617.4(RNF168):c.812T>C (p.Ile271Thr)

Gene: RNF168 (ring finger protein 168; minus strand). Cytogenetic location: 3q29.
Variant type: single nucleotide variant.
Coding change: c.812T>C on transcript NM_152617.4 (MANE Select); coding-DNA position 812, T replaced by C.
Protein change: p.Ile271Thr; replaces isoleucine 271 with threonine.
Molecular consequence: missense variant.
Genome position (GRCh38, 1-based): chr3:196,472,723, A>G on the plus strand (T>C on the coding strand, the complement: RNF168 is on the minus strand). VCF-style: chr3-196472723-A-G. GRCh37 (hg19) VCF-style: chr3-196199594-A-G.
Other names: short protein forms I271T.
Identifiers: ClinVar variation 4695446 (VCV004695446.1).